The following is an entry in ClinVar:

ClinVar aggregate classification (germline): Uncertain significance. Review status: criteria provided, multiple submitters, no conflicts (2 of 4 stars). 2 submissions from 2 submitters: Uncertain significance (2). Last evaluated 2025-08-30.

Conditions:
Inborn genetic diseases. Identifiers: MedGen C0950123, MeSH D030342.

gnomAD v4.1: 11 of 1,613,990 alleles (0.00068%); highest among the groups gnomAD compares: Non-Finnish European, 0.00085%; no homozygotes.

Submissions (2):

Ambry Genetics
Classification: Uncertain significance for Inborn genetic diseases. Last evaluated: 2025-08-30. Review status: criteria provided, single submitter. Criteria: Ambry Variant Classification Scheme 2023. Collection method: clinical testing. Allele origin: germline.

Labcorp Genetics (formerly Invitae), Labcorp
Classification: Uncertain significance. Last evaluated: 2025-08-22. Review status: criteria provided, single submitter. Criteria: Invitae Variant Classification Sherloc (09022015). Collection method: clinical testing. Allele origin: germline.
Comment: This sequence change replaces glutamine, which is neutral and polar, with arginine, which is basic and polar, at codon 316 of the NEDD4L protein (p.Gln316Arg). This variant is present in population databases (no rsID available, gnomAD 0.002%). This variant has not been reported in the literature in individuals affected with NEDD4L-related conditions. Invitae Evidence Modeling of protein sequence and biophysical properties (such as structural, functional, and spatial information, amino acid conservation, physicochemical variation, residue mobility, and thermodynamic stability) indicates that this missense variant is not expected to disrupt NEDD4L protein function with a negative predictive value of 80%. In summary, the available evidence is currently insufficient to determine the role of this variant in disease. Therefore, it has been classified as a Variant of Uncertain Significance.

NM_001144967.3(NEDD4L):c.947A>G (p.Gln316Arg)

Gene: NEDD4L (NEDD4 like E3 ubiquitin protein ligase; plus strand). Cytogenetic location: 18q21.31.
Variant type: single nucleotide variant.
Coding change: c.947A>G on transcript NM_001144967.3 (MANE Select); coding-DNA position 947, A replaced by G.
Protein change: p.Gln316Arg; replaces glutamine 316 with arginine.
Molecular consequence: missense variant.
Genome position (GRCh38, 1-based): chr18:58,330,871, A>G. VCF-style: chr18-58330871-A-G. GRCh37 (hg19) VCF-style: chr18-55998103-A-G.
Other names: c.584A>G, p.Gln195Arg (NM_001144964.1, NM_001144965.2, NM_001144966.3 and 2 more transcripts); c.923A>G, p.Gln308Arg (NM_001144968.2, NM_001144969.2); c.947A>G, p.Gln316Arg (NM_001243960.2, NM_015277.6); c.1784A>G, p.Gln595Arg (NM_001437337.1); short protein forms Q308R, Q595R, Q316R, Q195R.
Identifiers: ClinVar variation 4118523 (VCV004118523.2).
Genomic context (GRCh38, chr18:58,330,871, plus strand): 5'-CCTCCCCAGGATCTCGGACCAGCCCTCAGGAGCTGTCAGAGGAACTAAGCAGAAGGCTTC[A>G]GATCACTCCAGACTCCAATGGGGAACAGTTCAGCTCTTTGATTGTAAGTAGTGGCCTTGT-3'
Protein context (NP_001138439.1, residues 306-326): ELSEELSRRL[Gln316Arg]ITPDSNGEQF